The following is an entry in ClinVar:

NM_001142966.3(GREB1L):c.1323del (p.Gly441_Leu442insTer)

Genes: GREB1L (GREB1 like retinoic acid receptor coactivator; plus strand), LOC101927521 (uncharacterized LOC101927521; minus strand). Cytogenetic location: 18q11.1.
Variant type: Deletion.
Coding change: c.1323del on transcript NM_001142966.3 (MANE Select); coding-DNA position 1323, one base deleted (G; older notation c.1323delG).
Protein change: p.Gly441_Leu442insTer.
Molecular consequence: frameshift variant.
Genome position (GRCh38, 1-based): chr18:21,444,339, G deleted; the last of 3 consecutive G bases (chr18:21,444,337-21,444,339); deleting any one gives the same sequence. VCF-style (leftmost placement, unchanged base first): chr18-21444336-AG-A. GRCh37 (hg19) VCF-style: chr18-19024297-AG-A.
Other names: c.1452del, p.Gly484_Leu485insTer (NM_001410867.1); c.1323del, p.Gly441_Leu442insTer (NM_001410868.1).
Identifiers: ClinVar variation 3601153 (VCV003601153.1).

ClinVar aggregate classification (germline): Likely pathogenic (1 of 4 stars; one submission).

Conditions:
Hearing loss, autosomal dominant 80. Also called: DEAFNESS, AUTOSOMAL DOMINANT 80. Identifiers: MedGen C5543289, MONDO:0030998, OMIM 619274.

Submission:

Institute of Rare Diseases, West China Hospital, Sichuan University
Classification: Likely pathogenic for Hearing loss, autosomal dominant 80. Last evaluated: 2025-01-09. Review status: criteria provided, single submitter. Criteria: ClinGen HL ACMG Specifications v1. Collection method: research. Allele origin: germline. Affected: yes.
Comment: PVS1;PM2_Supporting